The following is an entry in ClinVar:

ClinVar aggregate classification (germline): Uncertain significance (1 of 4 stars; one submission).

Submission:

Women's Health and Genetics/Laboratory Corporation of America, LabCorp
Classification: Uncertain significance. Last evaluated: 2025-03-25. Review status: criteria provided, single submitter. Criteria: LabCorp Variant Classification Summary - May 2015. Collection method: clinical testing. Allele origin: germline.
Comment: Variant summary: The variant involves the duplication of exons 1-21 in the LZTR1 gene. A presumed nomenclature of c.(?_-76)_(*1685_?)dup has been designated for the purposes of this classification. This duplication includes the entire coding sequence of the gene. As exact breakpoints are unknown, it may extend beyond the annotated region of the gene, to include other flanking genes. The variant was absent in 20906 control chromosomes. The available data on variant occurrences in the general population are insufficient to allow any conclusion about variant significance. To our knowledge, no occurrence of c.(?_-76)_(*1685_?)dup in individuals affected with Noonan Syndrome 2 and no experimental evidence demonstrating its impact on protein function have been reported. No submitters have cited clinical-significance assessments for this variant to ClinVar. Based on the evidence outlined above, the variant was classified as uncertain significance.

NC_000022.10:g.(?_21336585)_(21353322_?)dup

Gene: LZTR1 (leucine zipper like post translational regulator 1; plus strand). Cytogenetic location: 22q11.21.
Variant type: Duplication.
Identifiers: ClinVar variation 3895964 (VCV003895964.1).